The following is an entry in ClinVar:

ClinVar aggregate classification (germline): Uncertain significance (1 of 4 stars; one submission).

Conditions:
Hereditary cancer-predisposing syndrome. Also called: Tumor predisposition; Neoplastic Syndromes, Hereditary; Hereditary neoplastic syndrome; Hereditary Cancer Syndrome. Identifiers: Orphanet 140162, MedGen C0027672, MeSH D009386, MONDO:0015356.

Submission:

Ambry Genetics
Classification: Uncertain significance for Hereditary cancer-predisposing syndrome. Last evaluated: 2025-08-20. Review status: criteria provided, single submitter. Criteria: Ambry Variant Classification Scheme 2023. Collection method: clinical testing. Allele origin: germline.
Comment: The p.Y260H variant (also known as c.778T>C), located in coding exon 1 of the MET gene, results from a T to C substitution at nucleotide position 778. The tyrosine at codon 260 is replaced by histidine, an amino acid with similar properties. This amino acid position is highly conserved in available vertebrate species. In addition, this alteration is predicted to be deleterious by in silico analysis. Based on the available evidence, the clinical significance of this variant remains unclear.

NM_000245.4(MET):c.778T>C (p.Tyr260His)

Gene: MET (MET proto-oncogene, receptor tyrosine kinase; plus strand). Cytogenetic location: 7q31.2.
Variant type: single nucleotide variant.
Coding change: c.778T>C on transcript NM_000245.4 (MANE Select); coding-DNA position 778, T replaced by C.
Protein change: p.Tyr260His; replaces tyrosine 260 with histidine.
Molecular consequence: missense variant. On other transcripts: intron variant (1).
Genome position (GRCh38, 1-based): chr7:116,699,862, T>C. VCF-style: chr7-116699862-T-C. GRCh37 (hg19) VCF-style: chr7-116339916-T-C.
Other names: c.778T>C, p.Tyr260His (NM_001127500.3, NM_001324401.3); c.-91+27285T>C (NM_001324402.2); short protein forms Y260H.
Identifiers: ClinVar variation 4106794 (VCV004106794.1).
Genomic context (GRCh38, chr7:116,699,862, plus strand): 5'-GAGTTCAGAGATTCTTACCCCATTAAGTATGTCCATGCCTTTGAAAGCAACAATTTTATT[T>C]ACTTCTTGACGGTCCAAAGGGAAACTCTAGATGCTCAGACTTTTCACACAAGAATAATCA-3'
Protein context (NP_000236.2, residues 250-270): VHAFESNNFI[Tyr260His]FLTVQRETLD